The following is an entry in ClinVar:

ClinVar aggregate classification (germline): Uncertain significance (1 of 4 stars; one submission).

Allele frequency attached by ClinVar (database versions not stated): TOPMed below 0.00001.

Submission:

Labcorp Genetics (formerly Invitae), Labcorp
Classification: Uncertain significance. Last evaluated: 2022-10-13. Review status: criteria provided, single submitter. Criteria: Invitae Variant Classification Sherloc (09022015). Collection method: clinical testing. Allele origin: germline.
Comment: In summary, the available evidence is currently insufficient to determine the role of this variant in disease. Therefore, it has been classified as a Variant of Uncertain Significance. Algorithms developed to predict the effect of missense changes on protein structure and function are either unavailable or do not agree on the potential impact of this missense change (SIFT: "Tolerated"; PolyPhen-2: "Not Available"; Align-GVGD: "Class C0"). This variant has not been reported in the literature in individuals affected with RIN2-related conditions. This variant is not present in population databases (gnomAD no frequency). This sequence change replaces proline, which is neutral and non-polar, with serine, which is neutral and polar, at codon 237 of the RIN2 protein (p.Pro237Ser).

NM_018993.4(RIN2):c.709C>T (p.Pro237Ser)

Gene: RIN2 (Ras and Rab interactor 2; plus strand). Cytogenetic location: 20p11.23.
Variant type: single nucleotide variant.
Coding change: c.709C>T on transcript NM_018993.4 (MANE Select); coding-DNA position 709, C replaced by T.
Protein change: p.Pro237Ser; replaces proline 237 with serine.
Molecular consequence: missense variant.
Genome position (GRCh38, 1-based): chr20:19,974,734, C>T. VCF-style: chr20-19974734-C-T. GRCh37 (hg19) VCF-style: chr20-19955378-C-T.
Other names: c.856C>T, p.Pro286Ser (NM_001242581.2); c.91C>T, p.Pro31Ser (NM_001378238.1); short protein forms P237S, P286S, P31S.
Identifiers: ClinVar variation 2100074 (VCV002100074.4), dbSNP rs2042213763, ClinGen allele CA408360811.